The following is an entry in ClinVar:

NC_000009.12:g.35657854G>A

Gene: RMRP (RNA component of mitochondrial RNA processing endoribonuclease; minus strand). Cytogenetic location: 9p13.3.
Variant type: single nucleotide variant.
Genome position: GRCh38 VCF-style: chr9-35657854-G-A. GRCh37 (hg19) VCF-style: chr9-35657851-G-A.
Identifiers: ClinVar variation 1955095 (VCV001955095.5), dbSNP rs1823610431, ClinGen allele CA464450661.

ClinVar aggregate classification (germline): Uncertain significance (1 of 4 stars; one submission).

Conditions:
Anauxetic dysplasia. Identifiers: Orphanet 93347, MedGen C1846796, MONDO:0011773.

Allele frequency attached by ClinVar (database versions not stated): gnomAD exomes below 0.00001.
gnomAD v4.1: 2 of 700,480 alleles (0.00029%); highest among the groups gnomAD compares: Non-Finnish European, 0.00052%; no homozygotes.

Submission:

Labcorp Genetics (formerly Invitae), Labcorp
Classification: Uncertain significance for Anauxetic dysplasia. Last evaluated: 2024-02-24. Review status: criteria provided, single submitter. Criteria: Invitae Variant Classification Sherloc (09022015). Collection method: clinical testing. Allele origin: germline.
Comment: This variant occurs in the RMRP gene, which encodes an RNA molecule that does not result in a protein product. This variant is not present in population databases (gnomAD no frequency). This variant has not been reported in the literature in individuals affected with RMRP-related conditions. ClinVar contains an entry for this variant (Variation ID: 1955095). Experimental studies and prediction algorithms are not available or were not evaluated, and the functional significance of this variant is currently unknown. In summary, the available evidence is currently insufficient to determine the role of this variant in disease. Therefore, it has been classified as a Variant of Uncertain Significance.